The following is an entry in ClinVar:

NM_003001.5(SDHC):c.179+10G>A

Gene: SDHC (succinate dehydrogenase complex subunit C; plus strand). Cytogenetic location: 1q23.3.
Variant type: single nucleotide variant.
Coding change: c.179+10G>A on transcript NM_003001.5 (MANE Select); 10 bases into the intron after coding-DNA position 179, G replaced by A.
Molecular consequence: intron variant.
Genome position (GRCh38, 1-based): chr1:161,328,507, G>A. VCF-style: chr1-161328507-G-A. GRCh37 (hg19) VCF-style: chr1-161298297-G-A.
Other names: c.68+10G>A (NM_001407119.1, NM_001407120.1); c.179+10G>A (NM_001407115.1, NM_001035511.3); c.77+4837G>A (NM_001035512.3, NM_001278172.3, NM_001407118.1); c.122+10G>A (NM_001407116.1, NM_001407121.1, NM_001407117.1); c.21-12087G>A (NM_001035513.3).
Identifiers: ClinVar variation 414246 (VCV000414246.23), dbSNP rs532455044, ClinGen allele CA045881.

ClinVar aggregate classification (germline): Benign/Likely benign. Review status: criteria provided, multiple submitters, no conflicts (2 of 4 stars). 7 submissions from 7 submitters: Benign (2); Likely benign (3). 2 of the submissions do not count toward it. Last evaluated 2026-01-21.

Conditions:
SDHC-related disorder. Also called: SDHC-related condition.
Pheochromocytoma/paraganglioma syndrome 3. Also called: GLOMUS TUMORS, FAMILIAL, 3; SDHC-Related Hereditary Paraganglioma-Pheochromocytoma Syndrome (Paragangliomas 3); SDHC-Related Hereditary Paraganglioma-Pheochromocytoma Syndrome; Paragangliomas 3. Identifiers: Orphanet 29072, MedGen C1854336, MONDO:0011544, OMIM 605373.
Gastrointestinal stromal tumor. Also called: Gastrointestinal stromal tumor, somatic; Gastrointestinal stroma tumor. Identifiers: Orphanet 44890, MedGen C0238198, MeSH D046152, MONDO:0011719, OMIM 606764, HP:0100723.

Allele frequency attached by ClinVar (database versions not stated): gnomAD 0.00006; gnomAD exomes 0.00009 and 0.00035; 1000 Genomes Project 30x 0.00016; TOPMed 0.00018; 1000 Genomes Project 0.00020; ExAC 0.00046.
gnomAD v4.1: 138 of 1,565,370 alleles (0.0088%); highest among the groups gnomAD compares: Admixed American, 0.15%; 2 homozygotes.

Submissions (7):

Labcorp Genetics (formerly Invitae), Labcorp
Classification: Benign for Pheochromocytoma/paraganglioma syndrome 3; Gastrointestinal stromal tumor. Last evaluated: 2026-01-21. Review status: criteria provided, single submitter. Criteria: Invitae Variant Classification Sherloc (09022015). Collection method: clinical testing. Allele origin: germline.

Quest Diagnostics Nichols Institute San Juan Capistrano
Classification: Benign. Last evaluated: 2025-05-16. Review status: criteria provided, single submitter. Criteria: Quest Diagnostics criteria. Collection method: clinical testing. Allele origin: unknown.

Center for Genomic Medicine, Rigshospitalet, Copenhagen University Hospital
Classification: Likely benign. Last evaluated: 2025-03-04. Review status: criteria provided, single submitter. Criteria: ACMG Guidelines, 2015. Collection method: clinical testing. Allele origin: germline.

Blueprint Genetics
Classification: Likely benign. Last evaluated: 2024-11-18. Review status: criteria provided, single submitter. Criteria: ACMG Guidelines, 2015. Collection method: clinical testing. Allele origin: germline.

Myriad Genetics, Inc.
Classification: Likely benign for Pheochromocytoma/paraganglioma syndrome 3. Last evaluated: 2023-04-24. Review status: criteria provided, single submitter. Criteria: Myriad Autosomal Dominant, Autosomal Recessive and X-Linked Classification Criteria (2023). Collection method: clinical testing. Allele origin: unknown.
Comment: This variant is considered likely benign. This variant is intronic and is not expected to impact mRNA splicing.

PreventionGenetics, part of Exact Sciences
Classification: Benign for SDHC-related condition. Last evaluated: 2020-06-19. Review status: no assertion criteria provided. Collection method: clinical testing. Allele origin: germline. Not counted in ClinVar's aggregate classification.
Comment: This variant is classified as benign based on ACMG/AMP sequence variant interpretation guidelines (Richards et al. 2015 PMID: 25741868, with internal and published modifications).

Counsyl
Classification: Likely benign for Pheochromocytoma/paraganglioma syndrome 3. Last evaluated: 2018-05-16. Review status: no assertion criteria provided. Collection method: clinical testing. Allele origin: unknown. Not counted in ClinVar's aggregate classification.